The following is an entry in ClinVar:

NM_000553.6(WRN):c.3790T>C (p.Ser1264Pro)

Gene: WRN (WRN RecQ like helicase; plus strand). Cytogenetic location: 8p12.
Variant type: single nucleotide variant.
Coding change: c.3790T>C on transcript NM_000553.6 (MANE Select); coding-DNA position 3790, T replaced by C.
Protein change: p.Ser1264Pro; replaces serine 1264 with proline.
Molecular consequence: missense variant.
Genome position (GRCh38, 1-based): chr8:31,154,726, T>C. VCF-style: chr8-31154726-T-C. GRCh37 (hg19) VCF-style: chr8-31012242-T-C.
Other names: short protein forms S1264P.
Identifiers: ClinVar variation 2829346 (VCV002829346.3), dbSNP rs2536056787, ClinGen allele CA370929189.

ClinVar aggregate classification (germline): Uncertain significance (1 of 4 stars; one submission).

Conditions:
Werner syndrome (WRN). Identifiers: Orphanet 902, MedGen C0043119, MONDO:0010196, OMIM 277700.

Submission:

Labcorp Genetics (formerly Invitae), Labcorp
Classification: Uncertain significance for Werner syndrome. Last evaluated: 2023-01-16. Review status: criteria provided, single submitter. Criteria: Invitae Variant Classification Sherloc (09022015). Collection method: clinical testing. Allele origin: germline.
Comment: In summary, the available evidence is currently insufficient to determine the role of this variant in disease. Therefore, it has been classified as a Variant of Uncertain Significance. Algorithms developed to predict the effect of missense changes on protein structure and function are either unavailable or do not agree on the potential impact of this missense change (SIFT: "Not Available"; PolyPhen-2: "Possibly Damaging"; Align-GVGD: "Not Available"). This variant has not been reported in the literature in individuals affected with WRN-related conditions. This variant is not present in population databases (gnomAD no frequency). This sequence change replaces serine, which is neutral and polar, with proline, which is neutral and non-polar, at codon 1264 of the WRN protein (p.Ser1264Pro).